The following is an entry in ClinVar:

ClinVar aggregate classification (germline): Likely benign (1 of 4 stars; one submission).

Conditions:
DIAPH3-related disorder. Also called: DIAPH3-related condition.

gnomAD v4.1: 6 of 1,613,620 alleles (0.00037%); highest among the groups gnomAD compares: South Asian, 0.0044%; no homozygotes.

Submission:

PreventionGenetics, part of Exact Sciences
Classification: Likely benign for DIAPH3-related condition. Last evaluated: 2025-06-18. Review status: criteria provided, single submitter. Criteria: ACMG Guidelines, 2015. Collection method: clinical testing. Allele origin: germline.
Comment: This variant is classified as likely benign based on ACMG/AMP sequence variant interpretation guidelines (Richards et al. 2015 PMID: 25741868, with internal and published modifications).

NM_001042517.2(DIAPH3):c.522C>T (p.Ile174=)

Genes: DIAPH3 (diaphanous related formin 3; minus strand), DIAPH3-AS1 (DIAPH3 antisense RNA 1; plus strand). Cytogenetic location: 13q21.2.
Variant type: single nucleotide variant.
Coding change: c.522C>T on transcript NM_001042517.2 (MANE Select); coding-DNA position 522, C replaced by T.
Protein change: p.Ile174=; no amino-acid change (isoleucine 174 retained).
Molecular consequence: synonymous variant.
Genome position (GRCh38, 1-based): chr13:60,042,794, G>A on the plus strand (C>T on the coding strand, the complement: DIAPH3 is on the minus strand). VCF-style: chr13-60042794-G-A. GRCh37 (hg19) VCF-style: chr13-60616928-G-A.
Other names: c.489C>T, p.Ile163= (NM_001258366.2); c.384C>T, p.Ile128= (NM_001258367.2); c.312C>T, p.Ile104= (NM_001258368.2); c.522C>T, p.Ile174= (NM_001258369.2).
Identifiers: ClinVar variation 4982370 (VCV004982370.1).